The following is an entry in ClinVar:

NM_004260.4(RECQL4):c.2755+13G>C

Gene: RECQL4 (RecQ like helicase 4; minus strand). Cytogenetic location: 8q24.3.
Variant type: single nucleotide variant.
Coding change: c.2755+13G>C on transcript NM_004260.4 (MANE Select); 13 bases into the intron after coding-DNA position 2755, G replaced by C.
Molecular consequence: intron variant. On other transcripts: missense variant (3).
Genome position (GRCh38, 1-based): chr8:144,512,834, C>G on the plus strand (G>C on the coding strand, the complement: RECQL4 is on the minus strand). VCF-style: chr8-144512834-C-G. GRCh37 (hg19) VCF-style: chr8-145738217-C-G.
Other names: c.2768G>C, p.Gly923Ala (NM_001413019.1); c.1697G>C, p.Gly566Ala (NM_001413023.1); c.1631G>C, p.Gly544Ala (NM_001413041.1); short protein forms G544A, G923A, G566A.
Identifiers: ClinVar variation 1912851 (VCV001912851.5), dbSNP rs769817743, ClinGen allele CA4948117.

ClinVar aggregate classification (germline): Uncertain significance (1 of 4 stars; one submission).

Conditions:
Baller-Gerold syndrome (BGS). Also called: CRANIOSYNOSTOSIS WITH RADIAL DEFECTS. Identifiers: Orphanet 1225, MedGen C0265308, MONDO:0009039, OMIM 218600.

Allele frequency attached by ClinVar (database versions not stated): gnomAD exomes below 0.00001; ExAC 0.00001; gnomAD 0.00001.
gnomAD v4.1: 6 of 1,607,150 alleles (0.00037%); highest among the groups gnomAD compares: Non-Finnish European, 0.00051%; no homozygotes.

Submission:

Labcorp Genetics (formerly Invitae), Labcorp
Classification: Uncertain significance for Baller-Gerold syndrome. Last evaluated: 2022-05-31. Review status: criteria provided, single submitter. Criteria: Invitae Variant Classification Sherloc (09022015). Collection method: clinical testing. Allele origin: germline.
Comment: This sequence change falls in intron 15 of the RECQL4 gene. It does not directly change the encoded amino acid sequence of the RECQL4 protein. This variant is present in population databases (rs769817743, gnomAD 0.001%). This variant has not been reported in the literature in individuals affected with RECQL4-related conditions. Algorithms developed to predict the effect of sequence changes on RNA splicing suggest that this variant may disrupt the consensus splice site. In summary, the available evidence is currently insufficient to determine the role of this variant in disease. Therefore, it has been classified as a Variant of Uncertain Significance.